The following is an entry in ClinVar:

NM_005045.4(RELN):c.7605C>A (p.Asn2535Lys)

Gene: RELN (reelin; minus strand). Cytogenetic location: 7q22.1.
Variant type: single nucleotide variant.
Coding change: c.7605C>A on transcript NM_005045.4 (MANE Select); coding-DNA position 7605, C replaced by A.
Protein change: p.Asn2535Lys; replaces asparagine 2535 with lysine.
Molecular consequence: missense variant.
Genome position (GRCh38, 1-based): chr7:103,522,085, G>T on the plus strand (C>A on the coding strand, the complement: RELN is on the minus strand). VCF-style: chr7-103522085-G-T. GRCh37 (hg19) VCF-style: chr7-103162532-G-T.
Other names: c.7605C>A, p.Asn2535Lys (NM_173054.3); short protein forms N2535K.
Identifiers: ClinVar variation 846972 (VCV000846972.10), dbSNP rs750764421, ClinGen allele CA4420702.

ClinVar aggregate classification (germline): Uncertain significance. Review status: criteria provided, multiple submitters, no conflicts (2 of 4 stars). 2 submissions from 2 submitters: Uncertain significance (2). Last evaluated 2024-05-08.

Conditions:
Inborn genetic diseases. Identifiers: MedGen C0950123, MeSH D030342.
Norman-Roberts syndrome (LIS2). Also called: Lissencephaly 2 (Norman-Roberts type). Identifiers: Orphanet 89844, MedGen C0796089, MONDO:0009760, OMIM 257320.
Familial temporal lobe epilepsy 7. Identifiers: Orphanet 101046, MedGen C4225327, MONDO:0014639, OMIM 616436.

Allele frequency attached by ClinVar (database versions not stated): TOPMed 0.00002.
gnomAD v4.1: 18 of 1,613,868 alleles (0.0011%); highest among the groups gnomAD compares: Non-Finnish European, 0.0014%; no homozygotes.

Submissions (2):

Labcorp Genetics (formerly Invitae), Labcorp
Classification: Uncertain significance for Familial temporal lobe epilepsy 7; Norman-Roberts syndrome. Last evaluated: 2024-05-08. Review status: criteria provided, single submitter. Criteria: Invitae Variant Classification Sherloc (09022015). Collection method: clinical testing. Allele origin: germline.
Comment: This sequence change replaces asparagine, which is neutral and polar, with lysine, which is basic and polar, at codon 2535 of the RELN protein (p.Asn2535Lys). This variant is present in population databases (rs750764421, gnomAD 0.005%). This variant has not been reported in the literature in individuals affected with RELN-related conditions. ClinVar contains an entry for this variant (Variation ID: 846972). Advanced modeling of protein sequence and biophysical properties (such as structural, functional, and spatial information, amino acid conservation, physicochemical variation, residue mobility, and thermodynamic stability) performed at Invitae indicates that this missense variant is not expected to disrupt RELN protein function with a negative predictive value of 80%. In summary, the available evidence is currently insufficient to determine the role of this variant in disease. Therefore, it has been classified as a Variant of Uncertain Significance.

Ambry Genetics
Classification: Uncertain significance for Inborn genetic diseases. Last evaluated: 2021-09-17. Review status: criteria provided, single submitter. Criteria: Ambry Variant Classification Scheme 2023. Collection method: clinical testing. Allele origin: germline.